The following is an entry in ClinVar:

NM_007294.4(BRCA1):c.2501G>T (p.Gly834Val)

Gene: BRCA1 (BRCA1 DNA repair associated; minus strand). Cytogenetic location: 17q21.31.
Variant type: single nucleotide variant.
Coding change: c.2501G>T on transcript NM_007294.4 (MANE Select); coding-DNA position 2501, G replaced by T.
Protein change: p.Gly834Val; replaces glycine 834 with valine.
Molecular consequence: missense variant. On other transcripts: intron variant (137).
Genome position (GRCh38, 1-based): chr17:43,093,030, C>A on the plus strand (G>T on the coding strand, the complement: BRCA1 is on the minus strand). VCF-style: chr17-43093030-C-A. GRCh37 (hg19) VCF-style: chr17-41245047-C-A.
Other names: c.2300G>T, p.Gly767Val (NM_001407862.1); c.2378G>T, p.Gly793Val (NM_001407863.1, NM_001407919.1, NM_001407937.1 and 19 more transcripts); c.2297G>T, p.Gly766Val (NM_001407874.1, NM_001407875.1); c.2291G>T, p.Gly764Val (NM_001407879.1, NM_001407881.1, NM_001407882.1 and 13 more transcripts); c.2288G>T, p.Gly763Val (NM_001407894.1, NM_001407895.1, NM_001407896.1 and 9 more transcripts); c.2237G>T, p.Gly746Val (NM_001407920.1, NM_001407921.1, NM_001407922.1 and 9 more transcripts); c.2234G>T, p.Gly745Val (NM_001407930.1, NM_001407931.1, NM_001407932.1 and 2 more transcripts); c.2375G>T, p.Gly792Val (NM_001407940.1, NM_001407941.1, NM_001407649.1 and 11 more transcripts); and 41 more; short protein forms G834V, G787V, G722V, G745V, G746V, G764V, G792V, G807V.
Identifiers: ClinVar variation 482960 (VCV000482960.18), dbSNP rs757383244, ClinGen allele CA10596995.

ClinVar aggregate classification (germline): Conflicting classifications of pathogenicity. Review status: criteria provided, conflicting classifications (1 of 4 stars). 3 submissions from 3 submitters: Uncertain significance (2); Likely benign (1). Last evaluated 2023-03-23.

Conditions:
Hereditary breast ovarian cancer syndrome. Also called: Hereditary breast and ovarian cancer syndrome; Hereditary breast and ovarian cancer; Hereditary breast and ovarian cancer syndrome (HBOC); Breast and ovarian cancer; Hereditary breast and/or ovarian cancer syndrome; BRCA1- and BRCA2-Associated Hereditary Breast and Ovarian Cancer. Identifiers: Orphanet 145, MedGen C0677776, MeSH D061325, MONDO:0003582. Disease mechanism: loss of function.
Hereditary cancer-predisposing syndrome. Also called: Neoplastic Syndromes, Hereditary; Tumor predisposition; Hereditary Cancer Syndrome; Hereditary neoplastic syndrome. Identifiers: Orphanet 140162, MedGen C0027672, MeSH D009386, MONDO:0015356.

Submissions (3):

University of Washington Department of Laboratory Medicine, University of Washington
Classification: Likely benign for Hereditary cancer-predisposing syndrome. Last evaluated: 2023-03-23. Review status: criteria provided, single submitter. Criteria: Dines et al. (Genet Med. 2020). Collection method: curation. Allele origin: germline.
Comment: Missense variant in a coldspot region where missense variants are very unlikely to be pathogenic (PMID:31911673).

BRCA1 coldspot (exon 11 using historical exon numbering). Reclassification based on statistical prior probability

Labcorp Genetics (formerly Invitae), Labcorp
Classification: Uncertain significance for Hereditary breast ovarian cancer syndrome. Last evaluated: 2019-05-16. Review status: criteria provided, single submitter. Criteria: Invitae Variant Classification Sherloc (09022015). Collection method: clinical testing. Allele origin: germline.
Comment: In summary, the available evidence is currently insufficient to determine the role of this variant in disease. Therefore, it has been classified as a Variant of Uncertain Significance. Algorithms developed to predict the effect of sequence changes on RNA splicing suggest that this variant may create or strengthen a splice site, but this prediction has not been confirmed by published transcriptional studies. Algorithms developed to predict the effect of missense changes on protein structure and function (SIFT, PolyPhen-2, Align-GVGD) all suggest that this variant is likely to be tolerated, but these predictions have not been confirmed by published functional studies and their clinical significance is uncertain. This variant has not been reported in the literature in individuals with BRCA1-related conditions. ClinVar contains an entry for this variant (Variation ID: 482960). This variant is not present in population databases (ExAC no frequency). This sequence change replaces glycine with valine at codon 834 of the BRCA1 protein (p.Gly834Val). The glycine residue is weakly conserved and there is a moderate physicochemical difference between glycine and valine.

Ambry Genetics
Classification: Uncertain significance for Hereditary cancer-predisposing syndrome. Last evaluated: 2017-08-07. Review status: criteria provided, single submitter. Criteria: Ambry Variant Classification Scheme 2023. Collection method: clinical testing. Allele origin: germline.
Comment: The p.G834V variant (also known as c.2501G>T), located in coding exon 9 of the BRCA1 gene, results from a G to T substitution at nucleotide position 2501. The glycine at codon 834 is replaced by valine, an amino acid with dissimilar properties. This amino acid position is poorly conserved in available vertebrate species. In addition, the in silico prediction for this alteration is inconclusive. Since supporting evidence is limited at this time, the clinical significance of this alteration remains unclear.